The following is an entry in ClinVar:

ClinVar aggregate classification (germline): Benign. Review status: criteria provided, single submitter (1 of 4 stars). 2 submissions from 2 submitters: Benign (1). 1 of the submissions does not count toward it. Last evaluated 2026-01-07.

Conditions:
HNRNPA2B1-related disorder. Also called: HNRNPA2B1-related condition.
Inclusion body myopathy with early-onset Paget disease with or without frontotemporal dementia 2 (IBMPFD2). Also called: MULTISYSTEM PROTEINOPATHY 2. Identifiers: MedGen C3809468, MONDO:0014178, OMIM 615422.

Allele frequency attached by ClinVar (database versions not stated): gnomAD exomes 0.00006 and 0.00018; ExAC 0.00019; ESP Exome Variant Server 0.00054; gnomAD 0.00054 and 0.00058; TOPMed 0.00073; 1000 Genomes Project 30x 0.00078; 1000 Genomes Project 0.00080.
gnomAD v4.1: 167 of 1,604,734 alleles (0.01%); highest among the groups gnomAD compares: African/African-American, 0.2%; no homozygotes.

Submissions (2):

Labcorp Genetics (formerly Invitae), Labcorp
Classification: Benign for Inclusion body myopathy with early-onset Paget disease with or without frontotemporal dementia 2. Last evaluated: 2026-01-07. Review status: criteria provided, single submitter. Criteria: Invitae Variant Classification Sherloc (09022015). Collection method: clinical testing. Allele origin: germline.

PreventionGenetics, part of Exact Sciences
Classification: Likely benign for HNRNPA2B1-related condition. Last evaluated: 2023-04-24. Review status: no assertion criteria provided. Collection method: clinical testing. Allele origin: germline. Not counted in ClinVar's aggregate classification.
Comment: This variant is classified as likely benign based on ACMG/AMP sequence variant interpretation guidelines (Richards et al. 2015 PMID: 25741868, with internal and published modifications).

NM_002137.4(HNRNPA2B1):c.964+10A>G

Gene: HNRNPA2B1 (heterogeneous nuclear ribonucleoprotein A2/B1; minus strand). Cytogenetic location: 7p15.2.
Variant type: single nucleotide variant.
Coding change: c.964+10A>G on transcript NM_002137.4 (MANE Select); 10 bases into the intron after coding-DNA position 964, A replaced by G.
Molecular consequence: intron variant.
Genome position (GRCh38, 1-based): chr7:26,193,241, T>C on the plus strand (A>G on the coding strand, the complement: HNRNPA2B1 is on the minus strand). VCF-style: chr7-26193241-T-C. GRCh37 (hg19) VCF-style: chr7-26232861-T-C.
Other names: c.844+10A>G (NM_001438578.1, NM_001438576.1, NM_001438575.1 and 1 more transcripts); c.964+10A>G (NM_001438571.1, NM_001438572.1, NM_001438063.1); c.880+10A>G (NM_001438574.1, NM_001438573.1); c.1000+10A>G (NM_001438568.1, NM_001438570.1, NM_001438569.1 and 1 more transcripts).
Identifiers: ClinVar variation 704601 (VCV000704601.12), dbSNP rs181705411, ClinGen allele CA4194409.